The following is an entry in ClinVar:

NM_004836.7(EIF2AK3):c.1888G>A (p.Glu630Lys)

Gene: EIF2AK3 (eukaryotic translation initiation factor 2 alpha kinase 3; minus strand). Cytogenetic location: 2p11.2.
Variant type: single nucleotide variant.
Coding change: c.1888G>A on transcript NM_004836.7 (MANE Select); coding-DNA position 1888, G replaced by A.
Protein change: p.Glu630Lys; replaces glutamic acid 630 with lysine.
Molecular consequence: missense variant.
Genome position (GRCh38, 1-based): chr2:88,576,702, C>T on the plus strand (G>A on the coding strand, the complement: EIF2AK3 is on the minus strand). VCF-style: chr2-88576702-C-T. GRCh37 (hg19) VCF-style: chr2-88876220-C-T.
Other names: c.1435G>A, p.Glu479Lys (NM_001313915.2); short protein forms E479K, E630K.
Identifiers: ClinVar variation 1429813 (VCV001429813.7), dbSNP rs2104414479, ClinGen allele CA347593420.

ClinVar aggregate classification (germline): Uncertain significance (1 of 4 stars; one submission).

Submission:

Labcorp Genetics (formerly Invitae), Labcorp
Classification: Uncertain significance. Last evaluated: 2020-12-16. Review status: criteria provided, single submitter. Criteria: Invitae Variant Classification Sherloc (09022015). Collection method: clinical testing. Allele origin: germline.
Comment: This sequence change replaces glutamic acid with lysine at codon 630 of the EIF2AK3 protein (p.Glu630Lys). The glutamic acid residue is moderately conserved and there is a small physicochemical difference between glutamic acid and lysine. This variant is not present in population databases (ExAC no frequency). This variant has not been reported in the literature in individuals with EIF2AK3-related conditions. Algorithms developed to predict the effect of missense changes on protein structure and function (SIFT, PolyPhen-2, Align-GVGD) all suggest that this variant is likely to be tolerated, but these predictions have not been confirmed by published functional studies and their clinical significance is uncertain. In summary, the available evidence is currently insufficient to determine the role of this variant in disease. Therefore, it has been classified as a Variant of Uncertain Significance.